The following is an entry in ClinVar:

NM_001174089.2(SLC4A11):c.2192+1del

Gene: SLC4A11 (solute carrier family 4 member 11; minus strand). Cytogenetic location: 20p13.
Variant type: Deletion.
Coding change: c.2192+1del on transcript NM_001174089.2 (MANE Select); the canonical splice donor site of the intron after coding-DNA position 2192, one base deleted (G; older notation c.2192+1delG).
Molecular consequence: splice donor variant.
Genome position (GRCh38, 1-based): chr20:3,228,837, C deleted on the plus strand (G on the coding strand, the reverse complement: SLC4A11 is on the minus strand). VCF-style (leftmost placement, unchanged base first): chr20-3228836-AC-A. GRCh37 (hg19) VCF-style: chr20-3209482-AC-A.
Other names: c.2135+1del (NM_001400277.1, NM_001400278.1, NM_001400279.1); c.2078+1del (NM_001363745.2); c.2207+1del (NM_001400280.1); c.2321+1del (NM_001174090.2); c.2240+1del (NM_032034.4).
Identifiers: ClinVar variation 842384 (VCV000842384.9), dbSNP rs2067638831, ClinGen allele CA916083738.

ClinVar aggregate classification (germline): Likely pathogenic. Review status: criteria provided, multiple submitters, no conflicts (2 of 4 stars). 2 submissions from 2 submitters: Likely pathogenic (2). Last evaluated 2025-09-26.

Conditions:
Corneal dystrophy-perceptive deafness syndrome (CDPD). Also called: CORNEAL DYSTROPHY AND SENSORINEURAL DEAFNESS; HARBOYAN SYNDROME. Identifiers: Orphanet 1490, MedGen C1857572, MONDO:0009015, OMIM 217400.

Allele frequency attached by ClinVar (database versions not stated): TOPMed 0.00001.

Submissions (2):

Natera, Inc.
Classification: Likely pathogenic for Corneal dystrophy-perceptive deafness syndrome. Last evaluated: 2025-09-26. Review status: criteria provided, single submitter. Criteria: Natera Variant Classification Schema (03/2026). Collection method: clinical testing. Allele origin: germline.
Comment: The c.2240+1del variant in SLC4A11 is a canonical splice donor site variant predicted to affect pre-mRNA splicing, which may result in an abnormal transcript and altered protein product. This variant may result in a truncated or dysfunctional protein product. This variant is rare in the general population with a frequency below the threshold expected for the associated phenotype(s). Another variant at this same site results in an alteration predicted to cause a similar molecular effect has been observed in individual(s) with the associated phenotype. Given the available evidence, this variant is classified as Likely Pathogenic.

Labcorp Genetics (formerly Invitae), Labcorp
Classification: Likely pathogenic. Last evaluated: 2024-02-06. Review status: criteria provided, single submitter. Criteria: Invitae Variant Classification Sherloc (09022015). Collection method: clinical testing. Allele origin: germline.
Comment: This sequence change affects a splice site in intron 16 of the SLC4A11 gene. It is expected to disrupt RNA splicing. Variants that disrupt the donor or acceptor splice site typically lead to a loss of protein function (PMID: 16199547), and loss-of-function variants in SLC4A11 are known to be pathogenic (PMID: 17220209, 17679935). This variant is not present in population databases (gnomAD no frequency). This variant has not been reported in the literature in individuals affected with SLC4A11-related conditions. ClinVar contains an entry for this variant (Variation ID: 842384). Algorithms developed to predict the effect of sequence changes on RNA splicing suggest that this variant may disrupt the consensus splice site. In summary, the currently available evidence indicates that the variant is pathogenic, but additional data are needed to prove that conclusively. Therefore, this variant has been classified as Likely Pathogenic.

Literature cited by the submitters: PubMed 16199547 (cited by Labcorp Genetics (formerly Invitae), Labcorp); PubMed 17220209 (cited by Labcorp Genetics (formerly Invitae), Labcorp); PubMed 17679935 (cited by Labcorp Genetics (formerly Invitae), Labcorp).